The following is an entry in ClinVar:

ClinVar aggregate classification (germline): Uncertain significance (1 of 4 stars; one submission).

Conditions:
Congenital disorder of glycosylation, type Iaa. Also called: Congenital disorder of glycosylation, type 1aa. Identifiers: MedGen C4310727, MONDO:0014904, OMIM 617082.

Allele frequency attached by ClinVar (database versions not stated): gnomAD 0.00001.
gnomAD v4.1: 1 of 1,549,234 alleles (0.000065%); highest among the groups gnomAD compares: Admixed American, 0.002%; no homozygotes.

Submission:

Labcorp Genetics (formerly Invitae), Labcorp
Classification: Uncertain significance for Congenital disorder of glycosylation, type Iaa. Last evaluated: 2024-02-06. Review status: criteria provided, single submitter. Criteria: Invitae Variant Classification Sherloc (09022015). Collection method: clinical testing. Allele origin: germline.
Comment: This sequence change replaces glycine, which is neutral and non-polar, with serine, which is neutral and polar, at codon 102 of the NUS1 protein (p.Gly102Ser). This variant is present in population databases (no rsID available, gnomAD 0.1%). This variant has not been reported in the literature in individuals affected with NUS1-related conditions. An algorithm developed to predict the effect of missense changes on protein structure and function (PolyPhen-2) suggests that this variant is likely to be tolerated. This variant disrupts the p.Gly102 amino acid residue in NUS1. Other variant(s) that disrupt this residue have been determined to be pathogenic (PMID: 32334381). This suggests that this residue is clinically significant, and that variants that disrupt this residue are likely to be disease-causing. In summary, the available evidence is currently insufficient to determine the role of this variant in disease. Therefore, it has been classified as a Variant of Uncertain Significance.

Literature cited by the submitters: PubMed 32334381.

NM_138459.5(NUS1):c.304G>A (p.Gly102Ser)

Gene: NUS1 (NUS1 dehydrodolichyl diphosphate synthase subunit; plus strand). Cytogenetic location: 6q22.1.
Variant type: single nucleotide variant.
Coding change: c.304G>A on transcript NM_138459.5 (MANE Select); coding-DNA position 304, G replaced by A.
Protein change: p.Gly102Ser; replaces glycine 102 with serine.
Molecular consequence: missense variant.
Genome position (GRCh38, 1-based): chr6:117,675,974, G>A. VCF-style: chr6-117675974-G-A. GRCh37 (hg19) VCF-style: chr6-117997137-G-A.
Other names: short protein forms G102S.
Identifiers: ClinVar variation 2892375 (VCV002892375.3), dbSNP rs1464231854, ClinGen allele CA365536325.